The following is an entry in ClinVar:

NM_000038.6(APC):c.3596A>C (p.Lys1199Thr)

Gene: APC (APC regulator of Wnt signaling pathway; plus strand). Cytogenetic location: 5q22.2.
Variant type: single nucleotide variant.
Coding change: c.3596A>C on transcript NM_000038.6 (MANE Select); coding-DNA position 3596, A replaced by C.
Protein change: p.Lys1199Thr; replaces lysine 1199 with threonine.
Molecular consequence: missense variant.
Genome position (GRCh38, 1-based): chr5:112,839,190, A>C. VCF-style: chr5-112839190-A-C. GRCh37 (hg19) VCF-style: chr5-112174887-A-C.
Other names: c.3596A>C, p.Lys1199Thr (NM_001127510.3, NM_001354895.2); c.3542A>C, p.Lys1181Thr (NM_001127511.3); c.3650A>C, p.Lys1217Thr (NM_001354896.2); c.3626A>C, p.Lys1209Thr (NM_001354897.2); c.3521A>C, p.Lys1174Thr (NM_001354898.2); c.3512A>C, p.Lys1171Thr (NM_001354899.2); c.3473A>C, p.Lys1158Thr (NM_001354900.2); c.3419A>C, p.Lys1140Thr (NM_001354901.2); and 5 more; short protein forms K1039T, K1073T, K1098T, K1108T, K1140T, K1158T, K1171T, K1174T.
Identifiers: ClinVar variation 1027233 (VCV001027233.10), dbSNP rs1765466497, ClinGen allele CA16029231.

ClinVar aggregate classification (germline): Uncertain significance (1 of 4 stars; one submission).

Conditions:
Familial adenomatous polyposis 1 (FAP1). Also called: FAMILIAL ADENOMATOUS POLYPOSIS 1, ATTENUATED; POLYPOSIS, ADENOMATOUS INTESTINAL. Identifiers: MedGen C2713442, MONDO:0021056, OMIM 175100. Disease mechanism: loss of function.

Submission:

Labcorp Genetics (formerly Invitae), Labcorp
Classification: Uncertain significance for Familial adenomatous polyposis 1. Last evaluated: 2020-07-07. Review status: criteria provided, single submitter. Criteria: Invitae Variant Classification Sherloc (09022015). Collection method: clinical testing. Allele origin: germline.
Comment: In summary, the available evidence is currently insufficient to determine the role of this variant in disease. Therefore, it has been classified as a Variant of Uncertain Significance. Algorithms developed to predict the effect of missense changes on protein structure and function are either unavailable or do not agree on the potential impact of this missense change (SIFT: "Deleterious"; PolyPhen-2: "Possibly Damaging"; Align-GVGD: "Class C0"). This variant has not been reported in the literature in individuals with APC-related conditions. This variant is not present in population databases (ExAC no frequency). This sequence change replaces lysine with threonine at codon 1199 of the APC protein (p.Lys1199Thr). The lysine residue is highly conserved and there is a moderate physicochemical difference between lysine and threonine.